The following is an entry in ClinVar:

NM_001953.5(TYMP):c.995C>T (p.Ala332Val)

Genes: SCO2 (synthesis of cytochrome C oxidase 2; minus strand), TYMP (thymidine phosphorylase; minus strand), LOC130067862 (ATAC-STARR-seq lymphoblastoid silent region 13986; plus strand). Cytogenetic location: 22q13.33.
Variant type: single nucleotide variant.
Coding change: c.995C>T on transcript NM_001953.5 (MANE Select); coding-DNA position 995, C replaced by T.
Protein change: p.Ala332Val; replaces alanine 332 with valine.
Molecular consequence: missense variant. On other transcripts: 5 prime UTR variant (1).
Genome position (GRCh38, 1-based): chr22:50,526,410, G>A on the plus strand (C>T on the coding strand, the complement: TYMP is on the minus strand). VCF-style: chr22-50526410-G-A. GRCh37 (hg19) VCF-style: chr22-50964839-G-A.
Other names: c.995C>T, p.Ala332Val (NM_001113755.3, NM_001113756.3, NM_001257988.1 and 1 more transcripts); c.-178C>T (NM_001169109.2); short protein forms A332V.
Identifiers: ClinVar variation 342142 (VCV000342142.18), dbSNP rs778306525, ClinGen allele CA10321506.

ClinVar aggregate classification (germline): Conflicting classifications of pathogenicity. Review status: criteria provided, conflicting classifications (1 of 4 stars). 4 submissions from 4 submitters: Uncertain significance (2); Likely benign (1). 1 of the submissions does not count toward it. Last evaluated 2026-01-19.

Conditions:
Mitochondrial DNA depletion syndrome 1. Also called: Mitochondrial neurogastrointestinal encephalomyopathy syndrome; Mitochondrial Neurogastrointestinal Encephalopathy Disease; MITOCHONDRIAL NEUROGASTROINTESTINAL ENCEPHALOPATHY SYNDROME, TYMP-RELATED; MNGIE, TYMP-RELATED; POLIP SYNDROME; POLYNEUROPATHY, OPHTHALMOPLEGIA, LEUKOENCEPHALOPATHY, AND INTESTINAL PSEUDOOBSTRUCTION. Identifiers: Orphanet 298, MedGen C4551995, MONDO:0011283, OMIM 603041.
TYMP-related disorder. Also called: TYMP-related condition.

Allele frequency attached by ClinVar (database versions not stated): gnomAD 0.00033 and 0.00036; ExAC 0.00035; gnomAD exomes 0.00013 and 0.00034; 1000 Genomes Project 30x 0.00016; TOPMed 0.00001.
gnomAD v4.1: 226 of 1,512,978 alleles (0.015%); highest among the groups gnomAD compares: Non-Finnish European, 0.0053%; 1 homozygote.

Submissions (4):

Labcorp Genetics (formerly Invitae), Labcorp
Classification: Likely benign. Last evaluated: 2026-01-19. Review status: criteria provided, single submitter. Criteria: Invitae Variant Classification Sherloc (09022015). Collection method: clinical testing. Allele origin: germline.

Blueprint Genetics
Classification: Uncertain significance. Last evaluated: 2024-11-19. Review status: criteria provided, single submitter. Criteria: ACMG Guidelines, 2015. Collection method: clinical testing. Allele origin: germline.

Illumina Laboratory Services, Illumina
Classification: Uncertain significance for Mitochondrial DNA depletion syndrome 1. Last evaluated: 2018-01-12. Review status: criteria provided, single submitter. Criteria: ICSL Variant Classification Criteria 13 December 2019. Collection method: clinical testing. Allele origin: germline.

PreventionGenetics, part of Exact Sciences
Classification: Likely benign for TYMP-related condition. Last evaluated: 2020-02-17. Review status: no assertion criteria provided. Collection method: clinical testing. Allele origin: germline. Not counted in ClinVar's aggregate classification.
Comment: This variant is classified as likely benign based on ACMG/AMP sequence variant interpretation guidelines (Richards et al. 2015 PMID: 25741868, with internal and published modifications).